The following is an entry in ClinVar:

NC_000005.9:g.(?_131973767)_(131973921_?)dup

Gene: RAD50 (RAD50 double strand break repair protein; plus strand). Cytogenetic location: 5q31.1.
Variant type: Duplication.
Identifiers: ClinVar variation 1066329 (VCV001066329.5).

ClinVar aggregate classification (germline): Likely pathogenic (1 of 4 stars; one submission).

Conditions:
Hereditary cancer-predisposing syndrome. Also called: Hereditary Cancer Syndrome; Hereditary neoplastic syndrome; Neoplastic Syndromes, Hereditary; Tumor predisposition. Identifiers: Orphanet 140162, MedGen C0027672, MeSH D009386, MONDO:0015356.

Submission:

Labcorp Genetics (formerly Invitae), Labcorp
Classification: Likely pathogenic for Hereditary cancer-predisposing syndrome. Last evaluated: 2021-09-29. Review status: criteria provided, single submitter. Criteria: Invitae Variant Classification Sherloc (09022015). Collection method: clinical testing. Allele origin: germline.
Comment: In summary, the currently available evidence indicates that the variant is pathogenic, but additional data are needed to prove that conclusively. Therefore, this variant has been classified as Likely Pathogenic. Loss-of-function variants in RAD50 are known to be pathogenic (PMID: 16385572, 19409520). This variant has not been reported in the literature in individuals with RAD50-related conditions. This variant results in a copy number gain of the genomic region encompassing exon(s) 23 of the RAD50 gene. While the exact position of this variant cannot be determined from the data, sub-genic copy number gains are generally in tandem (PMID: 25640679). This variant is predicted to be out-of-frame, and may result in an absent or disrupted protein product.

Literature cited by the submitters: PubMed 16385572; PubMed 19409520; PubMed 25640679.